The following is an entry in ClinVar:

NM_000406.3(GNRHR):c.521A>G (p.Gln174Arg)

Gene: GNRHR (gonadotropin releasing hormone receptor; minus strand). Cytogenetic location: 4q13.2.
Variant type: single nucleotide variant.
Coding change: c.521A>G on transcript NM_000406.3 (MANE Select); coding-DNA position 521, A replaced by G.
Protein change: p.Gln174Arg; replaces glutamine 174 with arginine.
Molecular consequence: missense variant.
Genome position (GRCh38, 1-based): chr4:67,753,815, T>C on the plus strand (A>G on the coding strand, the complement: GNRHR is on the minus strand). VCF-style: chr4-67753815-T-C. GRCh37 (hg19) VCF-style: chr4-68619533-T-C.
Other names: c.521A>G, p.Gln174Arg (NM_001012763.2); short protein forms Q174R.
Identifiers: ClinVar variation 2581289 (VCV002581289.1), dbSNP rs557311093, ClinGen allele CA357054276.

ClinVar aggregate classification (germline): Pathogenic (1 of 4 stars; one submission).

Conditions:
Hypogonadotropic hypogonadism 7 with or without anosmia (HH7). Also called: GNRHR-Related GnRH Deficiency; HYPOGONADOTROPIC HYPOGONADISM 7 WITHOUT ANOSMIA. Identifiers: Orphanet 432, MedGen C0342384, MONDO:0007794, OMIM 146110.

Allele frequency attached by ClinVar (database versions not stated): gnomAD exomes 0.00001.

Submission:

Women's Health and Genetics/Laboratory Corporation of America, LabCorp
Classification: Pathogenic for Hypogonadotropic hypogonadism 7 with or without anosmia. Last evaluated: 2023-08-03. Review status: criteria provided, single submitter. Criteria: LabCorp Variant Classification Summary - May 2015. Collection method: clinical testing. Allele origin: germline.
Comment: Variant summary: GNRHR c.521A>G (p.Gln174Arg) results in a conservative amino acid change located in the GPCR, rhodopsin-like, 7TM domain (IPR017452) of the encoded protein sequence. Three of five in-silico tools predict a damaging effect of the variant on protein function. Several computational tools predict a significant impact on normal splicing: Four predict the variant weakens the canonical 5' donor site. However, these predictions have yet to be confirmed by functional studies. The variant allele was found at a frequency of 8e-06 in 248994 control chromosomes (gnomAD). c.521A>G has been reported in the literature in multiple individuals affected with idiopathic hypogonadotropic hypogonadism (examples: Fan_2017, Hou_2020, Wang_2021). These data indicate that the variant is very likely to be associated with disease. To our knowledge, no experimental evidence demonstrating an impact on protein function has been reported. The following publications have been ascertained in the context of this evaluation (PMID: 28295047, 32520725, 33592857). No submitters have cited clinical-significance assessments for this variant to ClinVar after 2014. Based on the evidence outlined above, the variant was classified as pathogenic.

Literature cited by the submitters: PubMed 28295047; PubMed 32520725; PubMed 33592857.